The following is an entry in ClinVar:

NM_032951.3(MLXIPL):c.966C>T (p.Ser322=)

Gene: MLXIPL (MLX interacting protein like; minus strand). Cytogenetic location: 7q11.23.
Variant type: single nucleotide variant.
Coding change: c.966C>T on transcript NM_032951.3 (MANE Select); coding-DNA position 966, C replaced by T.
Protein change: p.Ser322=; no amino-acid change (serine 322 retained).
Molecular consequence: synonymous variant. On other transcripts: non-coding transcript variant (1).
Genome position (GRCh38, 1-based): chr7:73,599,631, G>A on the plus strand (C>T on the coding strand, the complement: MLXIPL is on the minus strand). VCF-style: chr7-73599631-G-A. GRCh37 (hg19) VCF-style: chr7-73013961-G-A.
Other names: c.966C>T, p.Ser322= (NM_032952.3, NM_032953.3, NM_032954.3).
Identifiers: ClinVar variation 3389719 (VCV003389719.14).

ClinVar aggregate classification (germline): Likely benign (1 of 4 stars; one submission).

Submission:

CeGaT Center for Human Genetics Tuebingen
Classification: Likely benign. Last evaluated: 2024-09-01. Review status: criteria provided, single submitter. Criteria: CeGaT Center For Human Genetics Tuebingen Variant Classification Criteria Version 2. Collection method: clinical testing. Allele origin: germline. Affected: yes. Observed: 1 variant allele.
Comment: MLXIPL: PM2:Supporting, BP4, BP7